The following is an entry in ClinVar:

ClinVar aggregate classification (germline): Uncertain significance. Review status: criteria provided, multiple submitters, no conflicts (2 of 4 stars). 3 submissions from 3 submitters: Uncertain significance (2). 1 of the submissions does not count toward it. Last evaluated 2025-04-08.

Conditions:
ACO2-related disorder. Also called: ACO2-Related Disorders.
Inborn genetic diseases. Identifiers: MedGen C0950123, MeSH D030342.

Allele frequency attached by ClinVar (database versions not stated): gnomAD exomes 0.00001; ExAC 0.00002; TOPMed 0.00003; gnomAD 0.00005; ESP Exome Variant Server 0.00008.

Submissions (3):

Ambry Genetics
Classification: Uncertain significance for Inborn genetic diseases. Last evaluated: 2025-04-08. Review status: criteria provided, single submitter. Criteria: Ambry Variant Classification Scheme 2023. Collection method: clinical testing. Allele origin: germline.

Blueprint Genetics
Classification: Uncertain significance. Last evaluated: 2024-09-11. Review status: criteria provided, single submitter. Criteria: ACMG Guidelines, 2015. Collection method: clinical testing. Allele origin: germline.

PreventionGenetics, part of Exact Sciences
Classification: Uncertain significance for ACO2-related condition. Last evaluated: 2023-12-28. Review status: no assertion criteria provided. Collection method: clinical testing. Allele origin: germline. Not counted in ClinVar's aggregate classification.
Comment: The ACO2 c.1030G>A variant is predicted to result in the amino acid substitution p.Glu344Lys. To our knowledge, this variant has not been reported in the literature. This variant is reported in 0.012% of alleles in individuals of African descent in gnomAD. At this time, the clinical significance of this variant is uncertain due to the absence of conclusive functional and genetic evidence.

NM_001098.3(ACO2):c.1030G>A (p.Glu344Lys)

Gene: ACO2 (aconitase 2; plus strand). Cytogenetic location: 22q13.2.
Variant type: single nucleotide variant.
Coding change: c.1030G>A on transcript NM_001098.3 (MANE Select); coding-DNA position 1030, G replaced by A.
Protein change: p.Glu344Lys; replaces glutamic acid 344 with lysine.
Molecular consequence: missense variant.
Genome position (GRCh38, 1-based): chr22:41,518,570, G>A. VCF-style: chr22-41518570-G-A. GRCh37 (hg19) VCF-style: chr22-41914574-G-A.
Other names: short protein forms E344K.
Identifiers: ClinVar variation 3049134 (VCV003049134.4), dbSNP rs373927554, ClinGen allele CA10257532.
Genomic context (GRCh38, chr22:41,518,570, plus strand): 5'-GATCACTTGGTGCCTGACCCTGGCTGCCATTATGACCAACTAATTGAAATTAACCTCAGT[G>A]AGGTGAGGAGACAATTAACTGGGTTCAAGAAGTTTCTGAGAGTAGTGGGGAGCAGGGCGG-3'
Protein context (NP_001089.1, residues 334-354): YDQLIEINLS[Glu344Lys]LKPHINGPFT